The following is an entry in ClinVar:

NM_020134.4(DPYSL5):c.1348G>A (p.Gly450Ser)

Gene: DPYSL5 (dihydropyrimidinase like 5; plus strand). Cytogenetic location: 2p23.3.
Variant type: single nucleotide variant.
Coding change: c.1348G>A on transcript NM_020134.4 (MANE Select); coding-DNA position 1348, G replaced by A.
Protein change: p.Gly450Ser; replaces glycine 450 with serine.
Molecular consequence: missense variant.
Genome position (GRCh38, 1-based): chr2:26,942,658, G>A. VCF-style: chr2-26942658-G-A. GRCh37 (hg19) VCF-style: chr2-27165526-G-A.
Other names: c.1348G>A, p.Gly450Ser (NM_001253723.2, NM_001253724.2); short protein forms G450S.
Identifiers: ClinVar variation 3252633 (VCV003252633.1), dbSNP rs1665354872.

ClinVar aggregate classification (germline): Uncertain significance (1 of 4 stars; one submission).

Submission:

GeneDx
Classification: Uncertain significance. Last evaluated: 2023-10-19. Review status: criteria provided, single submitter. Criteria: GeneDx Variant Classification Process June 2021. Collection method: clinical testing. Allele origin: germline. Affected: yes.
Comment: Not observed at significant frequency in large population cohorts (gnomAD); In silico analysis supports that this missense variant has a deleterious effect on protein structure/function; Has not been previously published as pathogenic or benign to our knowledge